The following is an entry in ClinVar:

NM_000038.6(APC):c.3722G>A (p.Gly1241Asp)

Gene: APC (APC regulator of Wnt signaling pathway; plus strand). Cytogenetic location: 5q22.2.
Variant type: single nucleotide variant.
Coding change: c.3722G>A on transcript NM_000038.6 (MANE Select); coding-DNA position 3722, G replaced by A.
Protein change: p.Gly1241Asp; replaces glycine 1241 with aspartic acid.
Molecular consequence: missense variant.
Genome position (GRCh38, 1-based): chr5:112,839,316, G>A. VCF-style: chr5-112839316-G-A. GRCh37 (hg19) VCF-style: chr5-112175013-G-A.
Other names: c.3722G>A, p.Gly1241Asp (NM_001127510.3, NM_001354895.2); c.3668G>A, p.Gly1223Asp (NM_001127511.3); c.3776G>A, p.Gly1259Asp (NM_001354896.2); c.3752G>A, p.Gly1251Asp (NM_001354897.2); c.3647G>A, p.Gly1216Asp (NM_001354898.2); c.3638G>A, p.Gly1213Asp (NM_001354899.2); c.3599G>A, p.Gly1200Asp (NM_001354900.2); c.3545G>A, p.Gly1182Asp (NM_001354901.2); and 5 more; short protein forms G1223D, G1241D, G1081D, G1182D, G1213D, G1259D, G958D, G1115D.
Identifiers: ClinVar variation 537478 (VCV000537478.10), dbSNP rs1554085255, ClinGen allele CA16029500.
Genomic context (GRCh38, chr5:112,839,316, plus strand): 5'-CTTCATCTAATGCCAAGAGGCAGAATCAGCTCCATCCAAGTTCTGCACAGAGTAGAAGTG[G>A]TCAGCCTCAAAAGGCTGCCACTTGCAAAGTTTCTTCTATTAACCAAGAAACAATACAGAC-3'
Protein context (NP_000029.2, residues 1231-1251): LHPSSAQSRS[Gly1241Asp]QPQKAATCKV

ClinVar aggregate classification (germline): Uncertain significance (1 of 4 stars; one submission).

Conditions:
Familial adenomatous polyposis 1 (FAP1). Also called: FAMILIAL ADENOMATOUS POLYPOSIS 1, ATTENUATED; POLYPOSIS, ADENOMATOUS INTESTINAL. Identifiers: MedGen C2713442, MONDO:0021056, OMIM 175100. Disease mechanism: loss of function.

Allele frequency attached by ClinVar (database versions not stated): gnomAD exomes below 0.00001.
gnomAD v4.1: 1 of 1,613,766 alleles (0.000062%); highest among the groups gnomAD compares: Non-Finnish European, 0.000085%; no homozygotes.

Submission:

Labcorp Genetics (formerly Invitae), Labcorp
Classification: Uncertain significance for Familial adenomatous polyposis 1. Last evaluated: 2022-03-06. Review status: criteria provided, single submitter. Criteria: Invitae Variant Classification Sherloc (09022015). Collection method: clinical testing. Allele origin: germline.
Comment: In summary, the available evidence is currently insufficient to determine the role of this variant in disease. Therefore, it has been classified as a Variant of Uncertain Significance. Algorithms developed to predict the effect of missense changes on protein structure and function are either unavailable or do not agree on the potential impact of this missense change (SIFT: "Deleterious"; PolyPhen-2: "Benign"; Align-GVGD: "Class C0"). ClinVar contains an entry for this variant (Variation ID: 537478). This variant has not been reported in the literature in individuals affected with APC-related conditions. This variant is not present in population databases (gnomAD no frequency). This sequence change replaces glycine, which is neutral and non-polar, with aspartic acid, which is acidic and polar, at codon 1241 of the APC protein (p.Gly1241Asp).